The following is an entry in ClinVar:

NM_000136.3(FANCC):c.1498G>A (p.Gly500Arg)

Genes: AOPEP (aminopeptidase O (putative); plus strand), FANCC (FA complementation group C; minus strand). Cytogenetic location: 9q22.32.
Variant type: single nucleotide variant.
Coding change: c.1498G>A on transcript NM_000136.3 (MANE Select); coding-DNA position 1498, G replaced by A.
Protein change: p.Gly500Arg; replaces glycine 500 with arginine.
Molecular consequence: missense variant.
Genome position (GRCh38, 1-based): chr9:95,107,101, C>T on the plus strand (G>A on the coding strand, the complement: FANCC is on the minus strand). VCF-style: chr9-95107101-C-T. GRCh37 (hg19) VCF-style: chr9-97869383-C-T.
Other names: c.1498G>A, p.Gly500Arg (NM_001243743.2); short protein forms G500R.
Identifiers: ClinVar variation 3230365 (VCV003230365.1), dbSNP rs1057516963, ClinGen allele CA374105604.

ClinVar aggregate classification (germline): Uncertain significance (1 of 4 stars; one submission).

Conditions:
Hereditary cancer-predisposing syndrome. Also called: Neoplastic Syndromes, Hereditary; Tumor predisposition; Hereditary neoplastic syndrome; Hereditary Cancer Syndrome. Identifiers: Orphanet 140162, MedGen C0027672, MeSH D009386, MONDO:0015356.

Allele frequency attached by ClinVar (database versions not stated): gnomAD exomes 0.00001.
gnomAD v4.1: 5 of 1,614,194 alleles (0.00031%); highest among the groups gnomAD compares: South Asian, 0.0055%; no homozygotes.

Submission:

Ambry Genetics
Classification: Uncertain significance for Hereditary cancer-predisposing syndrome. Last evaluated: 2023-12-04. Review status: criteria provided, single submitter. Criteria: Ambry Variant Classification Scheme 2023. Collection method: clinical testing. Allele origin: germline.
Comment: The p.G500R variant (also known as c.1498G>A), located in coding exon 13 of the FANCC gene, results from a G to A substitution at nucleotide position 1498. The glycine at codon 500 is replaced by arginine, an amino acid with dissimilar properties. This amino acid position is conserved. In addition, this alteration is predicted to be tolerated by in silico analysis. Since supporting evidence is limited at this time, the clinical significance of this alteration remains unclear.